The following is an entry in ClinVar:

NM_000126.4(ETFA):c.323T>A (p.Ile108Asn)

Gene: ETFA (electron transfer flavoprotein subunit alpha; minus strand). Cytogenetic location: 15q24.2.
Variant type: single nucleotide variant.
Coding change: c.323T>A on transcript NM_000126.4 (MANE Select); coding-DNA position 323, T replaced by A.
Protein change: p.Ile108Asn; replaces isoleucine 108 with asparagine.
Molecular consequence: missense variant.
Genome position (GRCh38, 1-based): chr15:76,292,459, A>T on the plus strand (T>A on the coding strand, the complement: ETFA is on the minus strand). VCF-style: chr15-76292459-A-T. GRCh37 (hg19) VCF-style: chr15-76584800-A-T.
Other names: c.176T>A, p.Ile59Asn (NM_001127716.2); short protein forms I108N, I59N.
Identifiers: ClinVar variation 574654 (VCV000574654.7), dbSNP rs1414148078, ClinGen allele CA393516830.

ClinVar aggregate classification (germline): Uncertain significance. Review status: criteria provided, single submitter (1 of 4 stars). 2 submissions from 2 submitters: Uncertain significance (1). 1 of the submissions does not count toward it. Last evaluated 2022-06-15.

Conditions:
Glutaric acidemia type 2A.
Multiple acyl-CoA dehydrogenase deficiency (MADD). Also called: Glutaric acidemia type II; GA 2; Glutaric Acidemia type 2; ETHYLMALONIC-ADIPICACIDURIA; GA II; Glutaric aciduria, type 2. Identifiers: Orphanet 26791, MedGen C0268596, MONDO:0009282, OMIM 231680.

Allele frequency attached by ClinVar (database versions not stated): gnomAD exomes below 0.00001; TOPMed 0.00001.
gnomAD v4.1: 5 of 1,613,646 alleles (0.00031%); highest among the groups gnomAD compares: African/African-American, 0.0013%; no homozygotes.

Submissions (2):

Labcorp Genetics (formerly Invitae), Labcorp
Classification: Uncertain significance for Multiple acyl-CoA dehydrogenase deficiency. Last evaluated: 2022-06-15. Review status: criteria provided, single submitter. Criteria: Invitae Variant Classification Sherloc (09022015). Collection method: clinical testing. Allele origin: germline.
Comment: This sequence change replaces isoleucine, which is neutral and non-polar, with asparagine, which is neutral and polar, at codon 108 of the ETFA protein (p.Ile108Asn). This variant is present in population databases (no rsID available, gnomAD 0.0009%). This variant has not been reported in the literature in individuals affected with ETFA-related conditions. ClinVar contains an entry for this variant (Variation ID: 574654). Algorithms developed to predict the effect of missense changes on protein structure and function (SIFT, PolyPhen-2, Align-GVGD) all suggest that this variant is likely to be disruptive. In summary, the available evidence is currently insufficient to determine the role of this variant in disease. Therefore, it has been classified as a Variant of Uncertain Significance.

Natera, Inc.
Classification: Uncertain significance for Glutaric acidemia type 2A. Last evaluated: 2020-10-14. Review status: no assertion criteria provided. Collection method: clinical testing. Allele origin: germline. Not counted in ClinVar's aggregate classification.